The following is an entry in ClinVar:

NM_003000.3(SDHB):c.753G>T (p.Arg251Ser)

Gene: SDHB (succinate dehydrogenase complex iron sulfur subunit B; minus strand). Cytogenetic location: 1p36.13.
Variant type: single nucleotide variant.
Coding change: c.753G>T on transcript NM_003000.3 (MANE Select); coding-DNA position 753, G replaced by T.
Protein change: p.Arg251Ser; replaces arginine 251 with serine.
Molecular consequence: missense variant.
Genome position (GRCh38, 1-based): chr1:17,022,620, C>A on the plus strand (G>T on the coding strand, the complement: SDHB is on the minus strand). VCF-style: chr1-17022620-C-A. GRCh37 (hg19) VCF-style: chr1-17349115-C-A.
Other names: short protein forms R251S.
Identifiers: ClinVar variation 965957 (VCV000965957.10), dbSNP rs201094649, ClinGen allele CA338270003.

ClinVar aggregate classification (germline): Uncertain significance. Review status: criteria provided, multiple submitters, no conflicts (2 of 4 stars). 2 submissions from 2 submitters: Uncertain significance (2). Last evaluated 2025-07-16.

Conditions:
Hereditary cancer-predisposing syndrome. Also called: Hereditary neoplastic syndrome; Neoplastic Syndromes, Hereditary; Hereditary Cancer Syndrome; Tumor predisposition. Identifiers: Orphanet 140162, MedGen C0027672, MeSH D009386, MONDO:0015356.
Gastrointestinal stromal tumor. Also called: Gastrointestinal stromal tumor, somatic; Gastrointestinal stroma tumor. Identifiers: Orphanet 44890, MedGen C0238198, MeSH D046152, MONDO:0011719, OMIM 606764, HP:0100723.
Pheochromocytoma/paraganglioma syndrome 4. Also called: CAROTID BODY TUMORS AND MULTIPLE EXTRAADRENAL PHEOCHROMOCYTOMAS; SDHB-Related Hereditary Paraganglioma-Pheochromocytoma Syndrome; Paragangliomas 4; SDHB-Related Hereditary Paraganglioma-Pheochromocytoma Syndrome (Paragangliomas 4); PARAGANGLIOMA, FAMILIAL MALIGNANT; PARAGANGLIOMAS, HEREDITARY EXTRAADRENAL. Identifiers: Orphanet 29072, MedGen C1861848, MONDO:0007273, OMIM 115310.
Pheochromocytoma. Also called: MAX-Related Hereditary Paraganglioma-Pheochromocytoma Syndrome. Identifiers: Orphanet 29072, MedGen C0031511, MONDO:0008233, OMIM 171300, HP:0002666.

Allele frequency attached by ClinVar (database versions not stated): TOPMed 0.00001.

Submissions (2):

Labcorp Genetics (formerly Invitae), Labcorp
Classification: Uncertain significance for Gastrointestinal stromal tumor; Pheochromocytoma/paraganglioma syndrome 4; Pheochromocytoma. Last evaluated: 2025-07-16. Review status: criteria provided, single submitter. Criteria: Invitae Variant Classification Sherloc (09022015). Collection method: clinical testing. Allele origin: germline.
Comment: This sequence change replaces arginine, which is basic and polar, with serine, which is neutral and polar, at codon 251 of the SDHB protein (p.Arg251Ser). This variant is not present in population databases (gnomAD no frequency). This variant has not been reported in the literature in individuals affected with SDHB-related conditions. ClinVar contains an entry for this variant (Variation ID: 965957). Invitae Evidence Modeling of protein sequence and biophysical properties (such as structural, functional, and spatial information, amino acid conservation, physicochemical variation, residue mobility, and thermodynamic stability) indicates that this missense variant is not expected to disrupt SDHB protein function with a negative predictive value of 80%. In summary, the available evidence is currently insufficient to determine the role of this variant in disease. Therefore, it has been classified as a Variant of Uncertain Significance.

Ambry Genetics
Classification: Uncertain significance for Hereditary cancer-predisposing syndrome. Last evaluated: 2025-03-26. Review status: criteria provided, single submitter. Criteria: Ambry Variant Classification Scheme 2023. Collection method: clinical testing. Allele origin: germline.
Comment: The p.R251S variant (also known as c.753G>T), located in coding exon 7 of the SDHB gene, results from a G to T substitution at nucleotide position 753. The arginine at codon 251 is replaced by serine, an amino acid with dissimilar properties. This amino acid position is poorly conserved in available vertebrate species. In addition, the in silico prediction for this alteration is inconclusive. Based on the available evidence, the clinical significance of this variant remains unclear.